The following is an entry in ClinVar:

NM_017534.6(MYH2):c.3869C>T (p.Ser1290Phe)

Genes: MYH2 (myosin heavy chain 2; minus strand), MYHAS (myosin heavy chain gene cluster antisense RNA; plus strand). Cytogenetic location: 17p13.1.
Variant type: single nucleotide variant.
Coding change: c.3869C>T on transcript NM_017534.6 (MANE Select); coding-DNA position 3869, C replaced by T.
Protein change: p.Ser1290Phe; replaces serine 1290 with phenylalanine.
Molecular consequence: missense variant.
Genome position (GRCh38, 1-based): chr17:10,527,750, G>A on the plus strand (C>T on the coding strand, the complement: MYH2 is on the minus strand). VCF-style: chr17-10527750-G-A. GRCh37 (hg19) VCF-style: chr17-10431067-G-A.
Other names: c.3869C>T, p.Ser1290Phe (NM_001100112.2); short protein forms S1290F.
Identifiers: ClinVar variation 3661729 (VCV003661729.2).

ClinVar aggregate classification (germline): Uncertain significance (1 of 4 stars; one submission).

Conditions:
Myopathy, proximal, and ophthalmoplegia (CMYO6). Also called: MYOPATHY WITH CONGENITAL JOINT CONTRACTURES, OPHTHALMOPLEGIA, AND RIMMED VACUOLES; INCLUSION BODY MYOPATHY 3, AUTOSOMAL DOMINANT; CONGENITAL MYOPATHY 6 WITH OPHTHALMOPLEGIA. Identifiers: Orphanet 363677, Orphanet 79091, MedGen C1854106, MONDO:0011577, OMIM 605637.

Submission:

Labcorp Genetics (formerly Invitae), Labcorp
Classification: Uncertain significance for Myopathy, proximal, and ophthalmoplegia. Last evaluated: 2025-03-17. Review status: criteria provided, single submitter. Criteria: Invitae Variant Classification Sherloc (09022015). Collection method: clinical testing. Allele origin: germline.
Comment: This sequence change replaces serine, which is neutral and polar, with phenylalanine, which is neutral and non-polar, at codon 1290 of the MYH2 protein (p.Ser1290Phe). This variant is not present in population databases (gnomAD no frequency). This variant has not been reported in the literature in individuals affected with MYH2-related conditions. An algorithm developed to predict the effect of missense changes on protein structure and function (PolyPhen-2) suggests that this variant is likely to be tolerated. In summary, the available evidence is currently insufficient to determine the role of this variant in disease. Therefore, it has been classified as a Variant of Uncertain Significance.